The following is an entry in ClinVar:

NM_080680.3(COL11A2):c.977G>A (p.Arg326Lys)

Gene: COL11A2 (collagen type XI alpha 2 chain; minus strand). Cytogenetic location: 6p21.32.
Variant type: single nucleotide variant.
Coding change: c.977G>A on transcript NM_080680.3 (MANE Select); coding-DNA position 977, G replaced by A.
Protein change: p.Arg326Lys; replaces arginine 326 with lysine.
Molecular consequence: missense variant. On other transcripts: intron variant (5).
Genome position (GRCh38, 1-based): chr6:33,184,287, C>T on the plus strand (G>A on the coding strand, the complement: COL11A2 is on the minus strand). VCF-style: chr6-33184287-C-T. GRCh37 (hg19) VCF-style: chr6-33152064-C-T.
Other names: c.131G>A, p.Arg44Lys (NM_001424109.1); c.93+705G>A (NM_001424111.1, NM_001424110.1); c.798+2340G>A (NM_080679.3); c.861+705G>A (NM_080681.3); c.939+705G>A (NM_001424108.1); short protein forms R326K, R44K.
Identifiers: ClinVar variation 3023097 (VCV003023097.3), dbSNP rs1772097270, ClinGen allele CA363609023.

ClinVar aggregate classification (germline): Uncertain significance (1 of 4 stars; one submission).

Allele frequency attached by ClinVar (database versions not stated): TOPMed below 0.00001.

Submission:

Labcorp Genetics (formerly Invitae), Labcorp
Classification: Uncertain significance. Last evaluated: 2023-03-22. Review status: criteria provided, single submitter. Criteria: Invitae Variant Classification Sherloc (09022015). Collection method: clinical testing. Allele origin: germline.
Comment: In summary, the available evidence is currently insufficient to determine the role of this variant in disease. Therefore, it has been classified as a Variant of Uncertain Significance. Algorithms developed to predict the effect of sequence changes on RNA splicing suggest that this variant may create or strengthen a splice site. Advanced modeling of protein sequence and biophysical properties (such as structural, functional, and spatial information, amino acid conservation, physicochemical variation, residue mobility, and thermodynamic stability) performed at Invitae indicates that this missense variant is not expected to disrupt COL11A2 protein function. This variant has not been reported in the literature in individuals affected with COL11A2-related conditions. This variant is not present in population databases (gnomAD no frequency). This sequence change replaces arginine, which is basic and polar, with lysine, which is basic and polar, at codon 326 of the COL11A2 protein (p.Arg326Lys).